The following is an entry in ClinVar:

NM_000535.5(PMS2):c.-53G>A

Gene: PMS2 (PMS1 homolog 2, mismatch repair system component; minus strand). Cytogenetic location: 7p22.1.
Variant type: single nucleotide variant.
Coding change: c.-53G>A on transcript NM_000535.5; 53 bases upstream of the start codon, G replaced by A.
Molecular consequence: non-coding transcript variant (on NR_136154.1).
Genome position (GRCh38, 1-based): chr7:6,009,072, C>T on the plus strand (G>A on the coding strand, the complement: PMS2 is on the minus strand). VCF-style: chr7-6009072-C-T. GRCh37 (hg19) VCF-style: chr7-6048703-C-T.
Identifiers: ClinVar variation 910467 (VCV000910467.6), dbSNP rs559634583, ClinGen allele CA050283.

ClinVar aggregate classification (germline): Benign (1 of 4 stars; one submission).

Conditions:
Lynch syndrome 4 (LYNCH4). Also called: Colorectal cancer, hereditary nonpolyposis, type 4; Hereditary non-polyposis colorectal cancer, type 4. Identifiers: Orphanet 144, MedGen C1838333, MONDO:0013699, OMIM 614337. Disease mechanism: loss of function.

Allele frequency attached by ClinVar (database versions not stated): 1000 Genomes Project 0.00200; 1000 Genomes Project 30x 0.00219; TOPMed 0.00018.
gnomAD v4.1: 1,476 of 1,600,410 alleles (0.092%); highest among the groups gnomAD compares: South Asian, 1.2%; 19 homozygotes.

Submission:

Illumina Laboratory Services, Illumina
Classification: Benign for Lynch syndrome 4. Last evaluated: 2018-06-22. Review status: criteria provided, single submitter. Criteria: ICSL Variant Classification Criteria 13 December 2019. Collection method: clinical testing. Allele origin: germline.
Comment: This variant was observed as part of a predisposition screen in an ostensibly healthy population. A literature search was performed for the gene, cDNA change, and amino acid change (where applicable). No publications were found based on this search. Allele frequency data from public databases was too high to be consistent with this variant causing disease. Therefore, this variant is classified as benign.